The following is an entry in ClinVar:

NM_006885.4(ZFHX3):c.5194CAA[11] (p.Gln1741_Ala1742insGln)

Genes: ZFHX3 (zinc finger homeobox 3; minus strand), ZFHX3-AS1 (ZFHX3 antisense RNA 1; plus strand). Cytogenetic location: 16q22.2.
Variant type: Microsatellite.
Coding change: c.5194CAA[11] on transcript NM_006885.4 (MANE Select); 11 copies in a row of the 3-base unit CAA starting at c.5194; the reference has ten copies in a row; one copy, 3 bases duplicated.
Protein change: p.Gln1741_Ala1742insGln.
Genome position (GRCh38, 1-based): chr16:72,797,459-72,797,461, TTG duplicated on the plus strand (CAA on the coding strand, the reverse complement: ZFHX3 is on the minus strand); duplicating any 3 consecutive bases within chr16:72,797,459-72,797,488 gives the same sequence; the position shown is the placement nearest the transcript's 3' end. VCF-style (leftmost placement, unchanged base first): chr16-72797458-C-CTTG. GRCh37 (hg19) VCF-style: chr16-72831357-C-CTTG.
Other names: c.2452CAA[11], p.Gln827_Ala828insGln (NM_001164766.2); c.5194CAA[11], p.Gln1741_Ala1742insGln (NM_001386735.1).
Identifiers: ClinVar variation 3041610 (VCV003041610.2), dbSNP rs34918837, ClinGen allele CA8163636.
Genomic context (GRCh38, chr16:72,797,458, plus strand): 5'-GCTGCAGCTCCTGCTGCAGGTGAGCTTGAACTTGAGCCTGGGCCTGGGCCAGCGTTTGTG[C>CTTG]TTGTTGTTGTTGTTGTTGTTGTTGTTGTTGCTGTTGCTGCTGCTGTTGTTGCTGCTGCCT-3'

ClinVar aggregate classification (germline): Benign (0 of 4 stars; one submission).

Conditions:
ZFHX3-related disorder. Also called: ZFHX3-related condition.

Submission:

PreventionGenetics, part of Exact Sciences
Classification: Benign for ZFHX3-related condition. Last evaluated: 2019-09-24. Review status: no assertion criteria provided. Collection method: clinical testing. Allele origin: germline.
Comment: This variant is classified as benign based on ACMG/AMP sequence variant interpretation guidelines (Richards et al. 2015 PMID: 25741868, with internal and published modifications).